The following is an entry in ClinVar:

NM_001393769.1(MED12L):c.2179G>C (p.Glu727Gln)

Gene: MED12L (mediator complex subunit 12L; plus strand). Cytogenetic location: 3q25.1.
Variant type: single nucleotide variant.
Coding change: c.2179G>C on transcript NM_001393769.1 (MANE Select); coding-DNA position 2179, G replaced by C.
Protein change: p.Glu727Gln; replaces glutamic acid 727 with glutamine.
Molecular consequence: missense variant.
Genome position (GRCh38, 1-based): chr3:151,193,595, G>C. VCF-style: chr3-151193595-G-C. GRCh37 (hg19) VCF-style: chr3-150911382-G-C.
Other names: c.2074G>C, p.Glu692Gln (NM_053002.6); short protein forms E692Q, E727Q.
Identifiers: ClinVar variation 5009380 (VCV005009380.1).
Genomic context (GRCh38, chr3:151,193,595, plus strand): 5'-TCGTTGGGCAGAAGAATGTCAGTTAATTGTGAGAAGTTGGTGAAGAGGGAAAAGCCAAGG[G>C]AATTAATTTTTCCATCTAATTATGACCTCCTTCGCCACTTACAGTATGCAACACATTTTC-3'
Protein context (NP_001380698.1, residues 717-737): EKLVKREKPR[Glu727Gln]LIFPSNYDLL

ClinVar aggregate classification (germline): Uncertain significance (1 of 4 stars; one submission).

Submission:

GeneDx
Classification: Uncertain significance. Last evaluated: 2026-02-14. Review status: criteria provided, single submitter. Criteria: GeneDx Variant Classification Process June 2021. Collection method: clinical testing. Allele origin: germline.
Comment: Not observed at significant frequency in large population cohorts (gnomAD); In silico analysis suggests that this missense variant does not alter protein structure/function; Has not been previously published as pathogenic or benign to our knowledge